The following is an entry in ClinVar:

NM_172250.3(MMAA):c.1120del (p.Ser374fs)

Gene: MMAA (metabolism of cobalamin associated A; plus strand). Cytogenetic location: 4q31.21.
Variant type: Deletion.
Coding change: c.1120del on transcript NM_172250.3 (MANE Select); coding-DNA position 1120, one base deleted (A; older notation c.1120delA).
Protein change: p.Ser374fs; shifts the reading frame from serine 374.
Molecular consequence: frameshift variant.
Genome position (GRCh38, 1-based): chr4:145,655,297, A deleted; the last of 3 consecutive A bases (chr4:145,655,295-145,655,297); deleting any one gives the same sequence. VCF-style (leftmost placement, unchanged base first): chr4-145655294-GA-G. GRCh37 (hg19) VCF-style: chr4-146576446-GA-G.
Other names: c.1120del, p.Ser374fs (NM_001375644.1); short protein forms S374fs.
Identifiers: ClinVar variation 1943634 (VCV001943634.2), dbSNP rs1728199784, ClinGen allele CA1501207385.

ClinVar aggregate classification (germline): Uncertain significance (1 of 4 stars; one submission).

Conditions:
Methylmalonic aciduria, cblA type (MACA). Also called: Vitamin B12-responsive methylmalonic acidemia type cblA; Methylmalonic aciduria, vitamin b12-responsive, due to defect in synthesis of adenosylcobalamin, cbla complementation type; MMA cbl A type; Methylmalonic acidemia cblA type; Methylmalonic aciduria, vitamin B12-responsive. Identifiers: Orphanet 28, Orphanet 79310, MedGen C1855109, MONDO:0009613, OMIM 251100.

Submission:

Labcorp Genetics (formerly Invitae), Labcorp
Classification: Uncertain significance for Methylmalonic aciduria, cblA type. Last evaluated: 2022-09-13. Review status: criteria provided, single submitter. Criteria: Invitae Variant Classification Sherloc (09022015). Collection method: clinical testing. Allele origin: germline.
Comment: This sequence change creates a premature translational stop signal (p.Ser374Valfs*3) in the MMAA gene. While this is not anticipated to result in nonsense mediated decay, it is expected to disrupt the last 45 amino acid(s) of the MMAA protein. This variant is not present in population databases (gnomAD no frequency). This variant has not been reported in the literature in individuals affected with MMAA-related conditions. Experimental studies and prediction algorithms are not available or were not evaluated, and the functional significance of this variant is currently unknown. Algorithms developed to predict the effect of sequence changes on RNA splicing suggest that this variant may create or strengthen a splice site. This variant disrupts a region of the MMAA protein in which other variant(s) (p.Gly399Val) have been observed in individuals with MMAA-related conditions (PMID: 28497574). This suggests that this is a clinically significant region of the protein, and that variants that disrupt it are likely to be disease-causing. In summary, the available evidence is currently insufficient to determine the role of this variant in disease. Therefore, it has been classified as a Variant of Uncertain Significance.

Literature cited by the submitters: PubMed 28497574.